The following is an entry in ClinVar:

ClinVar aggregate classification (germline): Likely pathogenic (1 of 4 stars; one submission).

Submission:

Labcorp Genetics (formerly Invitae), Labcorp
Classification: Likely pathogenic. Last evaluated: 2022-09-06. Review status: criteria provided, single submitter. Criteria: Invitae Variant Classification Sherloc (09022015). Collection method: clinical testing. Allele origin: germline.
Comment: In summary, the currently available evidence indicates that the variant is pathogenic, but additional data are needed to prove that conclusively. Therefore, this variant has been classified as Likely Pathogenic. This variant disrupts the p.Cys88 amino acid residue in USH2A. Other variant(s) that disrupt this residue have been determined to be pathogenic (PMID: 28559085; Invitae). This suggests that this residue is clinically significant, and that variants that disrupt this residue are likely to be disease-causing. Algorithms developed to predict the effect of sequence changes on RNA splicing suggest that this variant may create or strengthen a splice site. Algorithms developed to predict the effect of missense changes on protein structure and function are either unavailable or do not agree on the potential impact of this missense change (SIFT: "Deleterious"; PolyPhen-2: "Probably Damaging"; Align-GVGD: "Class C0"). ClinVar contains an entry for this variant (Variation ID: 1365907). This missense change has been observed in individuals with inherited retinal dystrophy (Invitae). This variant is not present in population databases (gnomAD no frequency). This sequence change replaces cysteine, which is neutral and slightly polar, with serine, which is neutral and polar, at codon 88 of the USH2A protein (p.Cys88Ser).

Literature cited by the submitters: PubMed 28559085.

NM_206933.4(USH2A):c.262T>A (p.Cys88Ser)

Gene: USH2A (usherin; minus strand). Cytogenetic location: 1q41.
Variant type: single nucleotide variant.
Coding change: c.262T>A on transcript NM_206933.4 (MANE Select); coding-DNA position 262, T replaced by A.
Protein change: p.Cys88Ser; replaces cysteine 88 with serine.
Molecular consequence: missense variant.
Genome position (GRCh38, 1-based): chr1:216,422,075, A>T on the plus strand (T>A on the coding strand, the complement: USH2A is on the minus strand). VCF-style: chr1-216422075-A-T. GRCh37 (hg19) VCF-style: chr1-216595417-A-T.
Other names: c.262T>A, p.Cys88Ser (NM_007123.6); short protein forms C88S.
Identifiers: ClinVar variation 1365907 (VCV001365907.6), dbSNP rs2102788720, ClinGen allele CA344904343.